The following is an entry in ClinVar:

NM_000152.5(GAA):c.2015G>T (p.Arg672Leu)

Gene: GAA (alpha glucosidase; plus strand). Cytogenetic location: 17q25.3.
Variant type: single nucleotide variant.
Coding change: c.2015G>T on transcript NM_000152.5 (MANE Select); coding-DNA position 2015, G replaced by T.
Protein change: p.Arg672Leu; replaces arginine 672 with leucine.
Molecular consequence: missense variant.
Genome position (GRCh38, 1-based): chr17:80,113,002, G>T. VCF-style: chr17-80113002-G-T. GRCh37 (hg19) VCF-style: chr17-78086801-G-T.
Other names: NM_000152.5(GAA):c.2015G>T; p.Arg672Leu; c.2015G>T, p.Arg672Leu (NM_001079803.3, NM_001079804.3, NM_001406741.1 and 1 more transcripts); short protein forms R672L.
Identifiers: ClinVar variation 2675756 (VCV002675756.2), dbSNP rs778418246, ClinGen allele CA401370075.
Genomic context (GRCh38, chr17:80,113,002, plus strand): 5'-ACACCTCAGAGGAGCTGTGTGTGCGCTGGACCCAGCTGGGGGCCTTCTACCCCTTCATGC[G>T]GAACCACAACAGCCTGCTCAGTCTGGTAGGGTGGGGGTGGCGGCATGGCAGGTGGGCGAT-3'
Protein context (NP_000143.2, residues 662-682): TQLGAFYPFM[Arg672Leu]NHNSLLSLPQ

ClinVar aggregate classification (germline): Likely pathogenic. Review status: reviewed by expert panel (3 of 4 stars). 3 submissions from 3 submitters: Likely pathogenic (1). 2 of the submissions do not count toward it. Last evaluated 2025-08-31.

Conditions:
Glycogen storage disease, type II (IOPD). Also called: CARDIOMEGALIA GLYCOGENICA DIFFUSA; GLYCOGENOSIS, GENERALIZED, CARDIAC FORM; GSD II; Glycogen storage disease type 2; Acid maltase deficiency disease; Aglucosidase alfa. Identifiers: Orphanet 365, MedGen C0017921, MONDO:0009290, OMIM 232300.

Submissions (3):

ClinGen Lysosomal Storage Disorder Variant Curation Expert Panel
Classification: Likely pathogenic for Glycogen storage disease, type II. Last evaluated: 2025-08-31. Review status: reviewed by expert panel. Criteria: clingen_lsd_acmg_specifications_v2-1. Collection method: curation. Allele origin: germline. Inheritance: Autosomal recessive inheritance.
Comment: The NM_000152.5:c.2015G>T variant in GAA is a missense variant that results in the substitution of an arginine for a leucine at amino acid 672 (p.Arg672Leu). This individual is compound heterozygous for the variant and another variant in GAA that has been classified as likely pathogenic for Pompe disease by the ClinGen LD VCEP, c.2783A>G (p.Tyr928Cys); phase unconfirmed (0.25 points) (Insufficient to apply PM3). The variant is absent in gnomAD v4.1.0. (PM2_Supporting). Two other variants at the same amino acid position have been classified as pathogenic (c.2014C>T, p.Arg672Trp, ClinVar Variation ID: 188773) or likely pathogenic (c.2015G>A p.Arg672Gln, ClinVar Variation ID: 371126) for Pompe disease by the ClinGen LD VCEP (PM5). The computational predictor REVEL gives a score of 0.955 which is above the threshold of 0.7, evidence that correlates with impact to GAA function (PP3). SpliceAI predicts no impact on splicing. There is a ClinVar entry for this variant (Variation ID: 2675756) with one submitter classifying the variant as pathogenic. In summary, these variant meets the criteria to be classified a likely pathogenic for Pompe disease. GAA-specific ACMG/AMP criteria applied, as specified by the ClinGen LD VCEP (Specifications Version 2.0.0.): PM5, PP4_Moderate, PP3, PM2_Supporting (Classification approved by the ClinGen Lysosomal Diseases Variant Curation Expert Panel, August 31, 2025)

Genomenon, Inc
Classification: Likely pathogenic for Glycogen storage disease, type II. Last evaluated: 2026-07-01. Review status: criteria provided, single submitter. Criteria: Genomenon Sequence Variant Interpretation Standards - Updated. Collection method: curation. Allele origin: germline. Affected: yes. Not counted in ClinVar's aggregate classification.
Comment: GAA p.Arg672Leu (c.2015G>T) is a missense variant that changes the amino acid at codon 672 from Arginine to Leucine. This variant has been observed in at least one proband with a GAA-related disorder in the compound heterozygous and/or homozygous state (PMID:33741225). The presence of pathogenic/likely pathogenic missense variant(s) at the same amino acid position indicates that this residue is likely important for protein function. It is absent or not present at a significant frequency in gnomAD. In silico models predict that this variant is possibly or probably damaging. In conclusion, we classify GAA p.Arg672Leu (c.2015G>T) as a likely pathogenic variant.

Baylor Genetics
Classification: Pathogenic for Glycogen storage disease, type II. Last evaluated: 2023-10-02. Review status: criteria provided, single submitter. Criteria: ACMG Guidelines, 2015. Collection method: clinical testing. Allele origin: unknown. Not counted in ClinVar's aggregate classification.

Literature cited by the submitters: PubMed 33741225 (cited by Genomenon, Inc).